The following is an entry in ClinVar:

NM_020812.4(DOCK6):c.5531A>G (p.Asn1844Ser)

Gene: DOCK6 (dedicator of cytokinesis 6; minus strand). Cytogenetic location: 19p13.2.
Variant type: single nucleotide variant.
Coding change: c.5531A>G on transcript NM_020812.4 (MANE Select); coding-DNA position 5531, A replaced by G.
Protein change: p.Asn1844Ser; replaces asparagine 1844 with serine.
Molecular consequence: missense variant.
Genome position (GRCh38, 1-based): chr19:11,202,046, T>C on the plus strand (A>G on the coding strand, the complement: DOCK6 is on the minus strand). VCF-style: chr19-11202046-T-C. GRCh37 (hg19) VCF-style: chr19-11312722-T-C.
Other names: c.5636A>G, p.Asn1879Ser (NM_001367830.1); short protein forms N1844S, N1879S.
Identifiers: ClinVar variation 1976950 (VCV001976950.5), dbSNP rs892446076, ClinGen allele CA305302474.

ClinVar aggregate classification (germline): Uncertain significance (1 of 4 stars; one submission).

Allele frequency attached by ClinVar (database versions not stated): gnomAD exomes 0.00001; gnomAD 0.00002; TOPMed 0.00002.
gnomAD v4.1: 13 of 1,613,906 alleles (0.00081%); highest among the groups gnomAD compares: Middle Eastern, 0.016%; no homozygotes.

Submission:

Labcorp Genetics (formerly Invitae), Labcorp
Classification: Uncertain significance. Last evaluated: 2024-01-17. Review status: criteria provided, single submitter. Criteria: Invitae Variant Classification Sherloc (09022015). Collection method: clinical testing. Allele origin: germline.
Comment: This sequence change replaces asparagine, which is neutral and polar, with serine, which is neutral and polar, at codon 1844 of the DOCK6 protein (p.Asn1844Ser). This variant is present in population databases (no rsID available, gnomAD 0.02%). This variant has not been reported in the literature in individuals affected with DOCK6-related conditions. ClinVar contains an entry for this variant (Variation ID: 1976950). Advanced modeling of protein sequence and biophysical properties (such as structural, functional, and spatial information, amino acid conservation, physicochemical variation, residue mobility, and thermodynamic stability) performed at Invitae indicates that this missense variant is not expected to disrupt DOCK6 protein function with a negative predictive value of 80%. In summary, the available evidence is currently insufficient to determine the role of this variant in disease. Therefore, it has been classified as a Variant of Uncertain Significance.